The following is an entry in ClinVar:

NM_004618.5(TOP3A):c.604G>A (p.Asp202Asn)

Gene: TOP3A (DNA topoisomerase III alpha; minus strand). Cytogenetic location: 17p11.2.
Variant type: single nucleotide variant.
Coding change: c.604G>A on transcript NM_004618.5 (MANE Select); coding-DNA position 604, G replaced by A.
Protein change: p.Asp202Asn; replaces aspartic acid 202 with asparagine.
Molecular consequence: missense variant.
Genome position (GRCh38, 1-based): chr17:18,302,619, C>T on the plus strand (G>A on the coding strand, the complement: TOP3A is on the minus strand). VCF-style: chr17-18302619-C-T. GRCh37 (hg19) VCF-style: chr17-18205933-C-T.
Other names: c.319G>A, p.Asp107Asn (NM_001320759.2); short protein forms D107N, D202N.
Identifiers: ClinVar variation 710478 (VCV000710478.47), dbSNP rs117856165, ClinGen allele CA8430174.

ClinVar aggregate classification (germline): Conflicting classifications of pathogenicity. Review status: criteria provided, conflicting classifications (1 of 4 stars). 3 submissions from 3 submitters: Uncertain significance (1); Likely benign (1). 1 of the submissions does not count toward it. Last evaluated 2026-01-21.

Conditions:
TOP3A-related disorder. Also called: TOP3A-related condition; TOP3A-related disorders.

Allele frequency attached by ClinVar (database versions not stated): ESP Exome Variant Server 0.00108; ExAC 0.00129; 1000 Genomes Project 0.00160; gnomAD 0.00168 and 0.00171; 1000 Genomes Project 30x 0.00187; TOPMed 0.00230.

Submissions (3):

Labcorp Genetics (formerly Invitae), Labcorp
Classification: Likely benign. Last evaluated: 2026-01-21. Review status: criteria provided, single submitter. Criteria: Invitae Variant Classification Sherloc (09022015). Collection method: clinical testing. Allele origin: germline.

CeGaT Center for Human Genetics Tuebingen
Classification: Uncertain significance. Last evaluated: 2020-09-01. Review status: criteria provided, single submitter. Criteria: CeGaT Center For Human Genetics Tuebingen Variant Classification Criteria Version 2. Collection method: clinical testing. Allele origin: germline. Affected: yes. Observed: 2 variant alleles.

PreventionGenetics, part of Exact Sciences
Classification: Likely benign for TOP3A-related condition. Last evaluated: 2023-01-04. Review status: no assertion criteria provided. Collection method: clinical testing. Allele origin: germline. Not counted in ClinVar's aggregate classification.
Comment: This variant is classified as likely benign based on ACMG/AMP sequence variant interpretation guidelines (Richards et al. 2015 PMID: 25741868, with internal and published modifications).